The following is an entry in ClinVar:

NM_000550.3(TYRP1):c.407T>A (p.Leu136Ter)

Gene: TYRP1 (tyrosinase related protein 1; plus strand). Cytogenetic location: 9p23.
Variant type: single nucleotide variant.
Coding change: c.407T>A on transcript NM_000550.3 (MANE Select); coding-DNA position 407, T replaced by A.
Protein change: p.Leu136Ter; replaces leucine 136 with a stop codon.
Molecular consequence: nonsense.
Genome position (GRCh38, 1-based): chr9:12,695,536, T>A. VCF-style: chr9-12695536-T-A. GRCh37 (hg19) VCF-style: chr9-12695536-T-A.
Other names: short protein forms L136*.
Identifiers: ClinVar variation 4982077 (VCV004982077.1).

ClinVar aggregate classification (germline): Likely pathogenic (1 of 4 stars; one submission).

Conditions:
TYRP1-related disorder. Also called: TYRP1-related condition.

Submission:

PreventionGenetics, part of Exact Sciences
Classification: Likely pathogenic for TYRP1-related condition. Last evaluated: 2025-04-04. Review status: criteria provided, single submitter. Criteria: ACMG Guidelines, 2015. Collection method: clinical testing. Allele origin: germline.
Comment: The TYRP1 c.407T>A variant is predicted to result in premature protein termination (p.Leu136*). To our knowledge, this variant has not been reported in the literature or in a large population database (gnomAD), indicating this variant is rare. Nonsense variants in TYRP1 are an established mechanism of disease. This variant is interpreted as likely pathogenic.